The following is an entry in ClinVar:

NM_002691.4(POLD1):c.2227A>T (p.Asn743Tyr)

Gene: POLD1 (DNA polymerase delta 1, catalytic subunit; plus strand). Cytogenetic location: 19q13.33.
Variant type: single nucleotide variant.
Coding change: c.2227A>T on transcript NM_002691.4 (MANE Select); coding-DNA position 2227, A replaced by T.
Protein change: p.Asn743Tyr; replaces asparagine 743 with tyrosine.
Molecular consequence: missense variant. On other transcripts: non-coding transcript variant (1).
Genome position (GRCh38, 1-based): chr19:50,413,498, A>T. VCF-style: chr19-50413498-A-T. GRCh37 (hg19) VCF-style: chr19-50916755-A-T.
Other names: c.2227A>T, p.Asn743Tyr (NM_001256849.1); c.2305A>T, p.Asn769Tyr (NM_001308632.1); c.2227A>T (NM_002691.2); short protein forms N743Y, N769Y.
Identifiers: ClinVar variation 1059091 (VCV001059091.10), dbSNP rs2122439028, ClinGen allele CA406983752.
Genomic context (GRCh38, chr19:50,413,498, plus strand): 5'-TTCGGACGTCAGATGATCGAGAAAACCAAGCAGCTGGTGGAGTCTAAGTACACAGTGGAG[A>T]ATGGCTACAGCACCAGTGCCAAGGTCGGGGGCTGCCCACCGCTGCCCTGAGATGGGCCCA-3'
Protein context (NP_002682.2, residues 733-753): QLVESKYTVE[Asn743Tyr]GYSTSAKVVY

ClinVar aggregate classification (germline): Uncertain significance. Review status: criteria provided, multiple submitters, no conflicts (2 of 4 stars). 2 submissions from 2 submitters: Uncertain significance (2). Last evaluated 2025-04-18.

Conditions:
Hereditary cancer-predisposing syndrome. Also called: Tumor predisposition; Hereditary Cancer Syndrome; Hereditary neoplastic syndrome; Neoplastic Syndromes, Hereditary. Identifiers: Orphanet 140162, MedGen C0027672, MeSH D009386, MONDO:0015356.
POLD1-related polyposis and colorectal cancer syndrome (CRCS10). Also called: Colorectal cancer 10; COLORECTAL CANCER, SUSCEPTIBILITY TO, ON CHROMOSOME 19q; Colorectal cancer, susceptibility to, 10. Identifiers: Orphanet 220460, MedGen C2675481, MONDO:0012953, OMIM 612591.

Submissions (2):

Labcorp Genetics (formerly Invitae), Labcorp
Classification: Uncertain significance for POLD1-related polyposis and colorectal cancer syndrome. Last evaluated: 2025-04-18. Review status: criteria provided, single submitter. Criteria: Invitae Variant Classification Sherloc (09022015). Collection method: clinical testing. Allele origin: germline.
Comment: This sequence change replaces asparagine, which is neutral and polar, with tyrosine, which is neutral and polar, at codon 743 of the POLD1 protein (p.Asn743Tyr). This variant is not present in population databases (gnomAD no frequency). This variant has not been reported in the literature in individuals affected with POLD1-related conditions. ClinVar contains an entry for this variant (Variation ID: 1059091). Invitae Evidence Modeling of protein sequence and biophysical properties (such as structural, functional, and spatial information, amino acid conservation, physicochemical variation, residue mobility, and thermodynamic stability) indicates that this missense variant is not expected to disrupt POLD1 protein function with a negative predictive value of 80%. In summary, the available evidence is currently insufficient to determine the role of this variant in disease. Therefore, it has been classified as a Variant of Uncertain Significance.

Ambry Genetics
Classification: Uncertain significance for Hereditary cancer-predisposing syndrome. Last evaluated: 2024-08-19. Review status: criteria provided, single submitter. Criteria: Ambry Variant Classification Scheme 2023. Collection method: clinical testing. Allele origin: germline.
Comment: The p.N743Y variant (also known as c.2227A>T), located in coding exon 17 of the POLD1 gene, results from an A to T substitution at nucleotide position 2227. The asparagine at codon 743 is replaced by tyrosine, an amino acid with dissimilar properties. This amino acid position is conserved. In addition, this alteration is predicted to be tolerated by in silico analysis. Based on the available evidence, the clinical significance of this variant remains unclear.